The following is an entry in ClinVar:

ClinVar aggregate classification (germline): Pathogenic/Likely pathogenic. Review status: criteria provided, multiple submitters, no conflicts (2 of 4 stars). 3 submissions from 3 submitters: Pathogenic (1); Likely pathogenic (2). Last evaluated 2026-05-01.

Conditions:
Autosomal recessive limb-girdle muscular dystrophy type 2J (LGMDR10). Also called: Limb-girdle muscular dystrophy, type 2J; MUSCULAR DYSTROPHY, LIMB-GIRDLE, AUTOSOMAL RECESSIVE 10. Identifiers: Orphanet 140922, MedGen C1837342, MONDO:0012127, OMIM 608807.
Dilated cardiomyopathy 1G (CMD1G). Identifiers: Orphanet 154, MedGen C1858763, MONDO:0011400, OMIM 604145.
Cardiovascular phenotype. Identifiers: MedGen CN230736.

Submissions (3):

CeGaT Center for Human Genetics Tuebingen
Classification: Likely pathogenic. Last evaluated: 2026-05-01. Review status: criteria provided, single submitter. Criteria: CeGaT Center For Human Genetics Tuebingen Variant Classification Criteria Version 2. Collection method: clinical testing. Allele origin: germline. Affected: yes. Observed: 1 variant allele.
Comment: TTN: PVS1:Strong, PM2

Labcorp Genetics (formerly Invitae), Labcorp
Classification: Likely pathogenic for Dilated cardiomyopathy 1G; Autosomal recessive limb-girdle muscular dystrophy type 2J. Last evaluated: 2022-04-18. Review status: criteria provided, single submitter. Criteria: Invitae Variant Classification Sherloc (09022015). Collection method: clinical testing. Allele origin: germline.
Comment: This sequence change creates a premature translational stop signal (p.Lys17305Valfs*13) in the TTN gene. While this is not anticipated to result in nonsense mediated decay, it is expected to create a truncated TTN protein. In summary, the currently available evidence indicates that the variant is pathogenic, but additional data are needed to prove that conclusively. Therefore, this variant has been classified as Likely Pathogenic. This variant is located in the A band of TTN (PMID: 25589632). Truncating variants in this region are significantly overrepresented in patients affected with dilated cardiomyopathy (PMID: 25589632). Truncating variants in this region have also been reported in individuals affected with autosomal recessive centronuclear myopathy (PMID: 23975875). Algorithms developed to predict the effect of sequence changes on RNA splicing suggest that this variant may create or strengthen a splice site. This variant is also known as c.46990_46993delAAGG (p.Lys15664Valfs*13). This premature translational stop signal has been observed in individual(s) with peripartum cardiomyopathy (PMID: 24558114). This variant is present in population databases (rs747513278, gnomAD 0.003%).

Ambry Genetics
Classification: Pathogenic for Cardiovascular phenotype. Last evaluated: 2020-11-06. Review status: criteria provided, single submitter. Criteria: Ambry Variant Classification Scheme 2023. Collection method: clinical testing. Allele origin: germline.
Comment: The c.24718_24721delAAGG pathogenic mutation, located in coding exon 100 of the TTN gene, results from a deletion of 4 nucleotides at nucleotide positions 24718 to 24721, causing a translational frameshift with a predicted alternate stop codon (p.K8240Vfs*13). This exon is located in the A-band region of the N2-B isoform of the titin protein and is constitutively expressed in TTN transcripts (percent spliced in or PSI 100%). This variant (referred to as c.46990_46993delAAGG, p.Lys15664Valfs*13) has been detected in a individual with peripartum cardiomyopathy and a family history of sudden cardiac death (van Spaendonck-Zwarts KY et al. Eur Heart J. 2014 Aug;35(32):2165-73). This alteration is expected to result in loss of function by premature protein truncation or nonsense-mediated mRNA decay. While truncating variants in TTN are present in 1-3% of the general population, truncating variants in the A-band are the most common cause of dilated cardiomyopathy (DCM) (Herman DS et al. N. Engl. J. Med., 2012 Feb;366:619-28; Roberts AM et al. Sci Transl Med, 2015 Jan;7:270ra6). TTN truncating variants encoded in constitutive exons (PSI >90%) have been found to be significantly associated with DCM regardless of their position in titin (Schafer S et al. Nat. Genet., 2017 01;49:46-53). Based on the supporting evidence, this alteration is interpreted as a disease-causing mutation.

Literature cited by the submitters: PubMed 25589632 (cited by Labcorp Genetics (formerly Invitae), Labcorp); PubMed 23975875 (cited by Labcorp Genetics (formerly Invitae), Labcorp); PubMed 24558114 (cited by Labcorp Genetics (formerly Invitae), Labcorp).

NM_001267550.2(TTN):c.51913_51916del (p.Lys17305fs)

Genes: TTN (titin; minus strand), TTN-AS1 (TTN antisense RNA 1; plus strand). Cytogenetic location: 2q31.2.
Variant type: Microsatellite.
Coding change: c.51913_51916del on transcript NM_001267550.2 (MANE Select); coding-DNA positions 51913 to 51916, 4 bases deleted (AAGG; older notation c.51913_51916delAAGG).
Protein change: p.Lys17305fs; shifts the reading frame from lysine 17305.
Molecular consequence: frameshift variant.
Genome position (GRCh38, 1-based): chr2:178,609,394-178,609,397, CCTT deleted on the plus strand (AAGG on the coding strand, the reverse complement: TTN is on the minus strand); deleting any 4 consecutive bases within chr2:178,609,394-178,609,402 gives the same sequence; the c. name uses the placement nearest the transcript's 3' end. VCF-style (leftmost placement, unchanged base first): chr2-178609393-CCCTT-C. GRCh37 (hg19) VCF-style: chr2-179474120-CCCTT-C.
Other names: c.24718_24721delAAGG (NM_003319.4); c.46990_46993del, p.Lys15664fs (NM_001256850.1); c.24718_24721del, p.Lys8240fs (NM_003319.4); c.44209_44212del, p.Lys14737fs (NM_133378.4); c.25093_25096del, p.Lys8365fs (NM_133432.3); c.25294_25297del, p.Lys8432fs (NM_133437.4); short protein forms K15664fs, K17305fs, K8240fs, K8365fs, K8432fs, K14737fs.
Identifiers: ClinVar variation 1486015 (VCV001486015.10), dbSNP rs747513278, ClinGen allele CA1994096.
Genomic context (GRCh38, chr2:178,609,393, plus strand): 5'-TTGTCAATACTCAAACGCTGTGTCAGAGGCAGGACAAATGGTTCTTCTTCTTGAACTTCA[CCCTT>C]CCTTCTCCTAACCAAGGGTGCTGCACGCTTCTTAATTTCCTCTGGTACAATAACATTTTC-3'